The following is an entry in ClinVar:

ClinVar aggregate classification (germline): Likely benign (0 of 4 stars; one submission).

Conditions:
ACACB-related disorder. Also called: ACACB-related condition.

Allele frequency attached by ClinVar (database versions not stated): TOPMed 0.00006; ExAC 0.00007; gnomAD 0.00007; gnomAD exomes 0.00011; ESP Exome Variant Server 0.00015.
gnomAD v4.1: 162 of 1,613,904 alleles (0.01%); highest among the groups gnomAD compares: Non-Finnish European, 0.012%; no homozygotes.

Submission:

PreventionGenetics, part of Exact Sciences
Classification: Likely benign for ACACB-related condition. Last evaluated: 2023-09-29. Review status: no assertion criteria provided. Collection method: clinical testing. Allele origin: germline.
Comment: This variant is classified as likely benign based on ACMG/AMP sequence variant interpretation guidelines (Richards et al. 2015 PMID: 25741868, with internal and published modifications).

NM_001093.4(ACACB):c.1117+3A>G

Gene: ACACB (acetyl-CoA carboxylase beta; plus strand). Cytogenetic location: 12q24.11.
Variant type: single nucleotide variant.
Coding change: c.1117+3A>G on transcript NM_001093.4 (MANE Select); 3 bases into the intron after coding-DNA position 1117, A replaced by G.
Molecular consequence: intron variant.
Genome position (GRCh38, 1-based): chr12:109,172,359, A>G. VCF-style: chr12-109172359-A-G. GRCh37 (hg19) VCF-style: chr12-109610164-A-G.
Other names: c.1117+3A>G (NM_001412734.1, NM_001412735.1); c.490+3A>G (NM_001412737.1); c.511+3A>G (NM_001412736.1, NM_001412738.1, NM_001412739.1 and 2 more transcripts).
Identifiers: ClinVar variation 3051356 (VCV003051356.2), dbSNP rs376880667, ClinGen allele CA6773155.
Genomic context (GRCh38, chr12:109,172,359, plus strand): 5'-GCTTCAGAAAACCCTAAACTTCCGGAGCTGCTGTGCAAGAATGGAGTTGCTTTCTTAGGT[A>G]GAGTGTGTCCCCATCAGATACATGGGAATTGGGGTATTGCTGGGACACTCTGCTGGGTCT-3'